The following is an entry in ClinVar:

ClinVar aggregate classification (germline): Pathogenic (1 of 4 stars; one submission).

Conditions:
MHC class I deficiency. Identifiers: Orphanet 34592, MedGen C6024714, MONDO:0011476.

Submission:

Labcorp Genetics (formerly Invitae), Labcorp
Classification: Pathogenic for MHC class I deficiency 1. Last evaluated: 2021-11-08. Review status: criteria provided, single submitter. Criteria: Invitae Variant Classification Sherloc (09022015). Collection method: clinical testing. Allele origin: germline.
Comment: This variant is not present in population databases (gnomAD no frequency). This variant has not been reported in the literature in individuals affected with TAP2-related conditions. For these reasons, this variant has been classified as Pathogenic. This sequence change creates a premature translational stop signal (p.Leu275Argfs*2) in the TAP2 gene. It is expected to result in an absent or disrupted protein product. Loss-of-function variants in TAP2 are known to be pathogenic (PMID: 7517574, 11529920, 12067308, 23662797).

Literature cited by the submitters: PubMed 7517574; PubMed 11529920; PubMed 12067308; PubMed 23662797.

NM_001290043.2(TAP2):c.824del (p.Leu275fs)

Gene: TAP2 (transporter 2, ATP binding cassette subfamily B member; minus strand). Cytogenetic location: 6p21.32.
Variant type: Deletion.
Coding change: c.824del on transcript NM_001290043.2 (MANE Select); coding-DNA position 824, one base deleted (T; older notation c.824delT).
Protein change: p.Leu275fs; shifts the reading frame from leucine 275.
Molecular consequence: frameshift variant.
Genome position (GRCh38, 1-based): chr6:32,835,275, A deleted on the plus strand (T on the coding strand, the reverse complement: TAP2 is on the minus strand). VCF-style (leftmost placement, unchanged base first): chr6-32835274-CA-C. GRCh37 (hg19) VCF-style: chr6-32803051-CA-C.
Other names: c.824del, p.Leu275fs (NM_000544.3, NM_018833.3); short protein forms L275fs.
Identifiers: ClinVar variation 1452277 (VCV001452277.6), dbSNP rs2127363263, ClinGen allele CA2573140272.